The following is an entry in ClinVar:

NM_024422.6(DSC2):c.1976C>T (p.Ser659Phe)

Gene: DSC2 (desmocollin 2; minus strand). Cytogenetic location: 18q12.1.
Variant type: single nucleotide variant.
Coding change: c.1976C>T on transcript NM_024422.6 (MANE Select); coding-DNA position 1976, C replaced by T.
Protein change: p.Ser659Phe; replaces serine 659 with phenylalanine.
Molecular consequence: missense variant.
Genome position (GRCh38, 1-based): chr18:31,071,754, G>A on the plus strand (C>T on the coding strand, the complement: DSC2 is on the minus strand). VCF-style: chr18-31071754-G-A. GRCh37 (hg19) VCF-style: chr18-28651720-G-A.
Other names: c.1547C>T, p.Ser516Phe (NM_001406506.1, NM_001406507.1); c.1976C>T, p.Ser659Phe (NM_004949.5); short protein forms S516F, S659F.
Identifiers: ClinVar variation 2574009 (VCV002574009.3), dbSNP rs1280691179, ClinGen allele CA402113235.

ClinVar aggregate classification (germline): Uncertain significance (1 of 4 stars; one submission).

Conditions:
Long QT syndrome (LQTS). Identifiers: MedGen C0023976, MeSH D008133, MONDO:0002442. Disease mechanism: loss of function. Inheritance: Various modes of inheritance.

Submission:

Dept of Medical Biology, Uskudar University
Classification: Uncertain significance for Long QT syndrome. Last evaluated: 2024-01-08. Review status: criteria provided, single submitter. Criteria: Dept of Medical Biology Variant Classification. Collection method: research. Allele origin: maternal. Affected: yes. Observed: 1 variant allele.
Comment: Criteria: PM2